The following is an entry in ClinVar:

NM_016592.5(GNAS):c.126C>T (p.Leu42=)

Genes: GNAS-AS1 (GNAS antisense RNA 1; minus strand), GNAS (GNAS complex locus; plus strand). Cytogenetic location: 20q13.32.
Variant type: single nucleotide variant.
Coding change: c.126C>T on transcript NM_016592.5 (MANE Plus Clinical); coding-DNA position 126, C replaced by T.
Protein change: p.Leu42=; no amino-acid change (leucine 42 retained).
Molecular consequence: synonymous variant. On other transcripts: 5 prime UTR variant (1).
Genome position (GRCh38, 1-based): chr20:58,840,232, C>T. VCF-style: chr20-58840232-C-T. GRCh37 (hg19) VCF-style: chr20-57415287-C-T.
Other names: c.-612C>T (NM_001410912.1).
Identifiers: ClinVar variation 3051457 (VCV003051457.3), dbSNP rs370175837, ClinGen allele CA9926253.

ClinVar aggregate classification (germline): Likely benign. Review status: criteria provided, single submitter (1 of 4 stars). 2 submissions from 2 submitters: Likely benign (1). 1 of the submissions does not count toward it. Last evaluated 2023-09-11.

Conditions:
GNAS-related disorder. Identifiers: MedGen CN380105.

Allele frequency attached by ClinVar (database versions not stated): ExAC 0.00003; gnomAD exomes 0.00003; ESP Exome Variant Server 0.00008; gnomAD 0.00002.
gnomAD v4.1: 43 of 1,611,010 alleles (0.0027%); highest among the groups gnomAD compares: Non-Finnish European, 0.0035%; no homozygotes.

Submissions (2):

Blueprint Genetics
Classification: Likely benign. Last evaluated: 2023-09-11. Review status: criteria provided, single submitter. Criteria: ACMG Guidelines, 2015. Collection method: clinical testing. Allele origin: germline.

PreventionGenetics, part of Exact Sciences
Classification: Likely benign for GNAS-related condition. Last evaluated: 2020-01-10. Review status: no assertion criteria provided. Collection method: clinical testing. Allele origin: germline. Not counted in ClinVar's aggregate classification.
Comment: This variant is classified as likely benign based on ACMG/AMP sequence variant interpretation guidelines (Richards et al. 2015 PMID: 25741868, with internal and published modifications).